The following is an entry in ClinVar:

NM_001458.5(FLNC):c.2428G>C (p.Val810Leu)

Gene: FLNC (filamin C; plus strand). Cytogenetic location: 7q32.1.
Variant type: single nucleotide variant.
Coding change: c.2428G>C on transcript NM_001458.5 (MANE Select); coding-DNA position 2428, G replaced by C.
Protein change: p.Val810Leu; replaces valine 810 with leucine.
Molecular consequence: missense variant.
Genome position (GRCh38, 1-based): chr7:128,842,832, G>C. VCF-style: chr7-128842832-G-C. GRCh37 (hg19) VCF-style: chr7-128482886-G-C.
Other names: c.2428G>C, p.Val810Leu (NM_001127487.2); short protein forms V810L.
Identifiers: ClinVar variation 1019620 (VCV001019620.9), dbSNP rs763153223, ClinGen allele CA4474733.
Genomic context (GRCh38, chr7:128,842,832, plus strand): 5'-AGCAGTGCCCGCTTCTCTGCAGGCGACGTGAGCATCGGCATCAAGTGCGCCCCAGGCGTG[G>C]TGGGCCCTGCAGAGGCTGACATTGACTTCGACATCATCAAGAATGACAACGACACCTTCA-3'
Protein context (NP_001449.3, residues 800-820): SIGIKCAPGV[Val810Leu]GPAEADIDFD

ClinVar aggregate classification (germline): Uncertain significance (1 of 4 stars; one submission).

Conditions:
Hypertrophic cardiomyopathy 26. Also called: Cardiomyopathy, familial hypertrophic, 26. Identifiers: Orphanet 75249, MedGen C4310749, MONDO:0014883, OMIM 617047.
Myofibrillar myopathy 5. Also called: FILAMINOPATHY, AUTOSOMAL DOMINANT; Filaminopathy (type). Identifiers: Orphanet 171445, MedGen C1836050, MONDO:0012289, OMIM 609524.
Distal myopathy with posterior leg and anterior hand involvement. Also called: WILLIAMS DISTAL MYOPATHY. Identifiers: Orphanet 63273, MedGen C3279722, MONDO:0013550, OMIM 614065.

Allele frequency attached by ClinVar (database versions not stated): gnomAD exomes below 0.00001; ExAC 0.00002.
gnomAD v4.1: 2 of 1,613,922 alleles (0.00012%); highest among the groups gnomAD compares: Non-Finnish European, 0.00017%; no homozygotes.

Submission:

Labcorp Genetics (formerly Invitae), Labcorp
Classification: Uncertain significance for Distal myopathy with posterior leg and anterior hand involvement; Myofibrillar myopathy 5; Hypertrophic cardiomyopathy 26. Last evaluated: 2022-06-13. Review status: criteria provided, single submitter. Criteria: Invitae Variant Classification Sherloc (09022015). Collection method: clinical testing. Allele origin: germline.
Comment: In summary, the available evidence is currently insufficient to determine the role of this variant in disease. Therefore, it has been classified as a Variant of Uncertain Significance. Algorithms developed to predict the effect of missense changes on protein structure and function are either unavailable or do not agree on the potential impact of this missense change (SIFT: "Deleterious"; PolyPhen-2: "Probably Damaging"; Align-GVGD: "Class C0"). ClinVar contains an entry for this variant (Variation ID: 1019620). This variant has not been reported in the literature in individuals affected with FLNC-related conditions. This variant is present in population databases (rs763153223, gnomAD 0.002%). This sequence change replaces valine, which is neutral and non-polar, with leucine, which is neutral and non-polar, at codon 810 of the FLNC protein (p.Val810Leu).